The following is an entry in ClinVar:

NM_177438.3(DICER1):c.1702A>C (p.Lys568Gln)

Gene: DICER1 (dicer 1, ribonuclease III; minus strand). Cytogenetic location: 14q32.13.
Variant type: single nucleotide variant.
Coding change: c.1702A>C on transcript NM_177438.3 (MANE Select); coding-DNA position 1702, A replaced by C.
Protein change: p.Lys568Gln; replaces lysine 568 with glutamine.
Molecular consequence: missense variant. On other transcripts: non-coding transcript variant (6).
Genome position (GRCh38, 1-based): chr14:95,116,503, T>G on the plus strand (A>C on the coding strand, the complement: DICER1 is on the minus strand). VCF-style: chr14-95116503-T-G. GRCh37 (hg19) VCF-style: chr14-95582840-T-G.
Other names: c.1702A>C, p.Lys568Gln (NM_001195573.1, NM_001271282.3, NM_001291628.2 and 13 more transcripts); c.1420A>C, p.Lys474Gln (NM_001395686.1); c.1297A>C, p.Lys433Gln (NM_001395687.1, NM_001395688.1, NM_001395689.1 and 3 more transcripts); c.1135A>C, p.Lys379Gln (NM_001395691.1); c.19A>C, p.Lys7Gln (NM_001395697.1); short protein forms K379Q, K568Q, K433Q, K474Q, K7Q.
Identifiers: ClinVar variation 2810283 (VCV002810283.3), dbSNP rs2140123428, ClinGen allele CA390884761.
Genomic context (GRCh38, chr14:95,116,503, plus strand): 5'-TTGATCTTACCTTTTCAATAGCTTTGTAGGTTTTAAGGTCTTCTTCAAAACTTTTTATTT[T>G]GTCTGTATCCGCTAACATTATATAATTAGAGATGGGTGCCCTTGCTCTTCCTTTAGATTG-3'
Protein context (NP_803187.1, residues 558-578): SNYIMLADTD[Lys568Gln]IKSFEEDLKT

ClinVar aggregate classification (germline): Uncertain significance (1 of 4 stars; one submission).

Conditions:
DICER1-related tumor predisposition. Also called: DICER1 syndrome; DICER1-related pleuropulmonary blastoma cancer predisposition syndrome. Identifiers: Orphanet 284343, MedGen C3839822, MONDO:0100216.

Allele frequency attached by ClinVar (database versions not stated): gnomAD 0.00001.
gnomAD v4.1: 1 of 1,613,892 alleles (0.000062%); highest among the groups gnomAD compares: African/African-American, 0.0013%; no homozygotes.

Submission:

Labcorp Genetics (formerly Invitae), Labcorp
Classification: Uncertain significance for DICER1-related tumor predisposition. Last evaluated: 2023-12-02. Review status: criteria provided, single submitter. Criteria: Invitae Variant Classification Sherloc (09022015). Collection method: clinical testing. Allele origin: germline.
Comment: This sequence change replaces lysine, which is basic and polar, with glutamine, which is neutral and polar, at codon 568 of the DICER1 protein (p.Lys568Gln). This variant is not present in population databases (gnomAD no frequency). This variant has not been reported in the literature in individuals affected with DICER1-related conditions. Advanced modeling of protein sequence and biophysical properties (such as structural, functional, and spatial information, amino acid conservation, physicochemical variation, residue mobility, and thermodynamic stability) performed at Invitae indicates that this missense variant is not expected to disrupt DICER1 protein function with a negative predictive value of 80%. In summary, the available evidence is currently insufficient to determine the role of this variant in disease. Therefore, it has been classified as a Variant of Uncertain Significance.